The following is an entry in ClinVar:

ClinVar aggregate classification (germline): Uncertain significance (1 of 4 stars; one submission).

Conditions:
Lafora disease. Also called: Epilepsy progressive myoclonic 2. Identifiers: Orphanet 501, MedGen C0751783, MONDO:0009697.

gnomAD v4.1: 1 of 1,614,174 alleles (0.000062%); no homozygotes.

Submission:

Labcorp Genetics (formerly Invitae), Labcorp
Classification: Uncertain significance for Lafora disease. Last evaluated: 2022-03-22. Review status: criteria provided, single submitter. Criteria: Invitae Variant Classification Sherloc (09022015). Collection method: clinical testing. Allele origin: germline.
Comment: This sequence change replaces glutamic acid, which is acidic and polar, with lysine, which is basic and polar, at codon 374 of the NHLRC1 protein (p.Glu374Lys). This variant is not present in population databases (gnomAD no frequency). This variant has not been reported in the literature in individuals affected with NHLRC1-related conditions. Algorithms developed to predict the effect of missense changes on protein structure and function (SIFT, PolyPhen-2, Align-GVGD) all suggest that this variant is likely to be tolerated. In summary, the available evidence is currently insufficient to determine the role of this variant in disease. Therefore, it has been classified as a Variant of Uncertain Significance.

NM_198586.3(NHLRC1):c.1120G>A (p.Glu374Lys)

Gene: NHLRC1 (NHL repeat containing E3 ubiquitin protein ligase 1; minus strand). Cytogenetic location: 6p22.3.
Variant type: single nucleotide variant.
Coding change: c.1120G>A on transcript NM_198586.3 (MANE Select); coding-DNA position 1120, G replaced by A.
Protein change: p.Glu374Lys; replaces glutamic acid 374 with lysine.
Molecular consequence: missense variant.
Genome position (GRCh38, 1-based): chr6:18,121,487, C>T on the plus strand (G>A on the coding strand, the complement: NHLRC1 is on the minus strand). VCF-style: chr6-18121487-C-T. GRCh37 (hg19) VCF-style: chr6-18121718-C-T.
Other names: short protein forms E374K.
Identifiers: ClinVar variation 1496000 (VCV001496000.5), dbSNP rs771702699, ClinGen allele CA362824673.